The following is an entry in ClinVar:

ClinVar aggregate classification (germline): Benign/Likely benign. Review status: criteria provided, multiple submitters, no conflicts (2 of 4 stars). 3 submissions from 3 submitters: Benign (1); Likely benign (2). Last evaluated 2025-02-26.

Conditions:
Hereditary cancer-predisposing syndrome. Also called: Hereditary Cancer Syndrome; Neoplastic Syndromes, Hereditary; Tumor predisposition; Hereditary neoplastic syndrome. Identifiers: Orphanet 140162, MedGen C0027672, MeSH D009386, MONDO:0015356.
Oligodontia-cancer predisposition syndrome. Also called: TOOTH AGENESIS-COLORECTAL CANCER SYNDROME. Identifiers: Orphanet 300576, MedGen C1837750, MONDO:0012075, OMIM 608615. Disease mechanism: loss of function.

Allele frequency attached by ClinVar (database versions not stated): gnomAD exomes below 0.00001.
gnomAD v4.1: 1 of 1,614,184 alleles (0.000062%); highest among the groups gnomAD compares: Admixed American, 0.0017%; no homozygotes.

Submissions (3):

Labcorp Genetics (formerly Invitae), Labcorp
Classification: Likely benign for Oligodontia-cancer predisposition syndrome. Last evaluated: 2025-02-26. Review status: criteria provided, single submitter. Criteria: Invitae Variant Classification Sherloc (09022015). Collection method: clinical testing. Allele origin: germline.

Myriad Genetics, Inc.
Classification: Benign for Oligodontia-cancer predisposition syndrome. Last evaluated: 2024-07-01. Review status: criteria provided, single submitter. Criteria: Myriad Autosomal Dominant, Autosomal Recessive and X-Linked Classification Criteria (2023). Collection method: clinical testing. Allele origin: unknown.
Comment: This variant is considered benign. This variant is a silent/synonymous amino acid change and it is not expected to impact splicing.

Ambry Genetics
Classification: Likely benign for Hereditary cancer-predisposing syndrome. Last evaluated: 2022-07-19. Review status: criteria provided, single submitter. Criteria: Ambry Variant Classification Scheme 2023. Collection method: clinical testing. Allele origin: germline.

NM_004655.4(AXIN2):c.1155G>A (p.Leu385=)

Gene: AXIN2 (axin 2; minus strand). Cytogenetic location: 17q24.1.
Variant type: single nucleotide variant.
Coding change: c.1155G>A on transcript NM_004655.4 (MANE Select); coding-DNA position 1155, G replaced by A.
Protein change: p.Leu385=; no amino-acid change (leucine 385 retained).
Molecular consequence: synonymous variant.
Genome position (GRCh38, 1-based): chr17:65,538,248, C>T on the plus strand (G>A on the coding strand, the complement: AXIN2 is on the minus strand). VCF-style: chr17-65538248-C-T. GRCh37 (hg19) VCF-style: chr17-63534366-C-T.
Other names: c.1155G>A, p.Leu385= (NM_001363813.1).
Identifiers: ClinVar variation 1083862 (VCV001083862.12), dbSNP rs1003920705, ClinGen allele CA501476302.